The following is an entry in ClinVar:

NM_001868.4(CPA1):c.731C>A (p.Ala244Glu)

Gene: CPA1 (carboxypeptidase A1; plus strand). Cytogenetic location: 7q32.2.
Variant type: single nucleotide variant.
Coding change: c.731C>A on transcript NM_001868.4 (MANE Select); coding-DNA position 731, C replaced by A.
Protein change: p.Ala244Glu; replaces alanine 244 with glutamic acid.
Molecular consequence: missense variant.
Genome position (GRCh38, 1-based): chr7:130,384,570, C>A. VCF-style: chr7-130384570-C-A. GRCh37 (hg19) VCF-style: chr7-130024411-C-A.
Other names: short protein forms A244E.
Identifiers: ClinVar variation 4233088 (VCV004233088.1).

ClinVar aggregate classification (germline): Uncertain significance (1 of 4 stars; one submission).

Conditions:
Hereditary pancreatitis (PCTT). Also called: Hereditary chronic pancreatitis; PRSS1-Related Hereditary Pancreatitis. Identifiers: Orphanet 676, MedGen C0238339, MONDO:0008185, OMIM 167800.

Submission:

Ambry Genetics
Classification: Uncertain significance for Hereditary pancreatitis. Last evaluated: 2025-07-10. Review status: criteria provided, single submitter. Criteria: Ambry Variant Classification Scheme 2023. Collection method: clinical testing. Allele origin: germline.
Comment: The p.A244E variant (also known as c.731C>A), located in coding exon 7 of the CPA1 gene, results from a C to A substitution at nucleotide position 731. The alanine at codon 244 is replaced by glutamic acid, an amino acid with dissimilar properties. This amino acid position is conserved. In addition, this alteration is predicted to be tolerated by in silico analysis. Based on the available evidence, the clinical significance of this variant remains unclear.